The following is an entry in ClinVar:

NM_213655.5(WNK1):c.2531G>A (p.Arg844Gln)

Gene: WNK1 (WNK lysine deficient protein kinase 1; plus strand). Cytogenetic location: 12p13.33.
Variant type: single nucleotide variant.
Coding change: c.2531G>A on transcript NM_213655.5 (MANE Plus Clinical); coding-DNA position 2531, G replaced by A.
Protein change: p.Arg844Gln; replaces arginine 844 with glutamine.
Molecular consequence: missense variant. On other transcripts: intron variant (2).
Genome position (GRCh38, 1-based): chr12:868,002, G>A. VCF-style: chr12-868002-G-A. GRCh37 (hg19) VCF-style: chr12-977168-G-A.
Other names: c.2276G>A, p.Arg759Gln (NM_001184985.2); c.2140-3263G>A (NM_018979.4, NM_014823.3); short protein forms R759Q, R844Q.
Identifiers: ClinVar variation 934555 (VCV000934555.11), dbSNP rs765108175, ClinGen allele CA6382195.
Genomic context (GRCh38, chr12:868,002, plus strand): 5'-AACGTCCAGTTTCTTTTTCACCACCTCCCACCTGCCCACCGAAAGTAGCCATTTCCCAGC[G>A]GCGTAAGAGCACCTCCTTCCTGGAAGCCCAAACTCACCACTTCCAACCCCTGCTGAGGAC-3'
Protein context (NP_998820.3, residues 834-854): TCPPKVAISQ[Arg844Gln]RKSTSFLEAQ

ClinVar aggregate classification (germline): Uncertain significance. Review status: criteria provided, multiple submitters, no conflicts (2 of 4 stars). 3 submissions from 3 submitters: Uncertain significance (3). Last evaluated 2025-10-08.

Conditions:
Neuropathy, hereditary sensory and autonomic, type 2A (HSAN2A). Also called: MORVAN DISEASE; NEUROPATHY, CONGENITAL SENSORY; NEUROPATHY, HEREDITARY SENSORY RADICULAR, AUTOSOMAL RECESSIVE; NEUROPATHY, HEREDITARY SENSORY, TYPE IIA; NEUROPATHY, PROGRESSIVE SENSORY, OF CHILDREN; WNK1-Related HSAN2 (HSAN2A). Identifiers: Orphanet 970, MedGen C2752089, MONDO:0024309, OMIM 201300.
Pseudohypoaldosteronism type 2C (PHA2C). Also called: Pseudohypoaldosteronism Type IIC. Identifiers: Orphanet 757, Orphanet 88940, MedGen C1840391, MONDO:0013778, OMIM 614492.

Allele frequency attached by ClinVar (database versions not stated): gnomAD 0.00001; TOPMed 0.00001; ExAC 0.00002; gnomAD exomes 0.00002.
gnomAD v4.1: 43 of 1,613,692 alleles (0.0027%); highest among the groups gnomAD compares: Non-Finnish European, 0.0031%; no homozygotes.

Submissions (3):

Labcorp Genetics (formerly Invitae), Labcorp
Classification: Uncertain significance for Neuropathy, hereditary sensory and autonomic, type 2A; Pseudohypoaldosteronism type 2C. Last evaluated: 2025-10-08. Review status: criteria provided, single submitter. Criteria: Invitae Variant Classification Sherloc (09022015). Collection method: clinical testing. Allele origin: germline.
Comment: This sequence change replaces arginine, which is basic and polar, with glutamine, which is neutral and polar, at codon 844 of the WNK1 protein (p.Arg844Gln). This variant is present in population databases (rs765108175, gnomAD 0.003%). This variant has not been reported in the literature in individuals affected with WNK1-related conditions. ClinVar contains an entry for this variant (Variation ID: 934555). Invitae Evidence Modeling of protein sequence and biophysical properties (such as structural, functional, and spatial information, amino acid conservation, physicochemical variation, residue mobility, and thermodynamic stability) indicates that this missense variant is not expected to disrupt WNK1 protein function with a negative predictive value of 95%. In summary, the available evidence is currently insufficient to determine the role of this variant in disease. Therefore, it has been classified as a Variant of Uncertain Significance.

GeneDx
Classification: Uncertain significance. Last evaluated: 2022-06-06. Review status: criteria provided, single submitter. Criteria: GeneDx Variant Classification Process June 2021. Collection method: clinical testing. Allele origin: germline. Affected: yes.
Comment: Not observed at significant frequency in large population cohorts (gnomAD); In silico analysis supports that this missense variant does not alter protein structure/function; Has not been previously published as pathogenic or benign to our knowledge

Breakthrough Genomics
Classification: Uncertain significance. Review status: criteria provided, single submitter. Criteria: ACMG Guidelines, 2015. Collection method: not provided. Allele origin: germline. Inheritance: Autosomal recessive inheritance. Affected: yes.